The following is an entry in ClinVar:

NM_006230.4(POLD2):c.908A>G (p.Asn303Ser)

Gene: POLD2 (DNA polymerase delta 2, accessory subunit; minus strand). Cytogenetic location: 7p13.
Variant type: single nucleotide variant.
Coding change: c.908A>G on transcript NM_006230.4 (MANE Select); coding-DNA position 908, A replaced by G.
Protein change: p.Asn303Ser; replaces asparagine 303 with serine.
Molecular consequence: missense variant.
Genome position (GRCh38, 1-based): chr7:44,116,226, T>C on the plus strand (A>G on the coding strand, the complement: POLD2 is on the minus strand). VCF-style: chr7-44116226-T-C. GRCh37 (hg19) VCF-style: chr7-44155825-T-C.
Other names: c.908A>G, p.Asn303Ser (NM_001127218.3, NM_001256879.2); c.908A>G (NM_001127218.1); short protein forms N303S.
Identifiers: ClinVar variation 1973283 (VCV001973283.6), dbSNP rs3087366, ClinGen allele CA4238679.
Genomic context (GRCh38, chr7:44,116,226, plus strand): 5'-GAGTAGGCAGTGGCCAGCGGGAACATGCAGGGGTGGAGGGGCTGCTGGGGGAGCGTGTAA[T>C]TGGTGGGATCAAACTCGCCTGGCATCACGTCCACGGGCACTGAGGCCTGGAAGGCACAGG-3'
Protein context (NP_006221.3, residues 293-313): DVMPGEFDPT[Asn303Ser]YTLPQQPLHP

ClinVar aggregate classification (germline): Uncertain significance. Review status: criteria provided, multiple submitters, no conflicts (2 of 4 stars). 2 submissions from 2 submitters: Uncertain significance (2). Last evaluated 2025-11-19.

Allele frequency attached by ClinVar (database versions not stated): gnomAD exomes below 0.00001; TOPMed 0.00001; ExAC 0.00002; gnomAD 0.00003; 1000 Genomes Project 30x 0.00016; 1000 Genomes Project 0.00020.
gnomAD v4.1: 10 of 1,613,332 alleles (0.00062%); highest among the groups gnomAD compares: East Asian, 0.022%; 1 homozygote.

Submissions (2):

Ambry Genetics
Classification: Uncertain significance. Last evaluated: 2025-11-19. Review status: criteria provided, single submitter. Criteria: Ambry Variant Classification Scheme 2023. Collection method: clinical testing. Allele origin: germline.

Labcorp Genetics (formerly Invitae), Labcorp
Classification: Uncertain significance. Last evaluated: 2022-06-18. Review status: criteria provided, single submitter. Criteria: Invitae Variant Classification Sherloc (09022015). Collection method: clinical testing. Allele origin: germline.
Comment: In summary, the available evidence is currently insufficient to determine the role of this variant in disease. Therefore, it has been classified as a Variant of Uncertain Significance. Algorithms developed to predict the effect of missense changes on protein structure and function are either unavailable or do not agree on the potential impact of this missense change (SIFT: "Tolerated"; PolyPhen-2: "Not Available"; Align-GVGD: "Class C0"). This variant has not been reported in the literature in individuals affected with POLD2-related conditions. This variant is present in population databases (rs3087366, gnomAD 0.01%). This sequence change replaces asparagine, which is neutral and polar, with serine, which is neutral and polar, at codon 338 of the POLD2 protein (p.Asn338Ser).